The following is an entry in ClinVar:

NM_001447.3(FAT2):c.8588T>C (p.Leu2863Pro)

Genes: FAT2 (FAT atypical cadherin 2; minus strand), SLC36A1 (solute carrier family 36 member 1; plus strand). Cytogenetic location: 5q33.1.
Variant type: single nucleotide variant.
Coding change: c.8588T>C on transcript NM_001447.3 (MANE Select); coding-DNA position 8588, T replaced by C.
Protein change: p.Leu2863Pro; replaces leucine 2863 with proline.
Molecular consequence: missense variant.
Genome position (GRCh38, 1-based): chr5:151,542,539, A>G on the plus strand (T>C on the coding strand, the complement: FAT2 is on the minus strand). VCF-style: chr5-151542539-A-G. GRCh37 (hg19) VCF-style: chr5-150922100-A-G.
Other names: short protein forms L2863P.
Identifiers: ClinVar variation 3604144 (VCV003604144.2).

ClinVar aggregate classification (germline): Uncertain significance (1 of 4 stars; one submission).

gnomAD v4.1: 3 of 1,614,058 alleles (0.00019%); highest among the groups gnomAD compares: South Asian, 0.0011%; no homozygotes.

Submission:

Labcorp Genetics (formerly Invitae), Labcorp
Classification: Uncertain significance. Last evaluated: 2024-03-24. Review status: criteria provided, single submitter. Criteria: Invitae Variant Classification Sherloc (09022015). Collection method: clinical testing. Allele origin: germline.
Comment: This sequence change replaces leucine, which is neutral and non-polar, with proline, which is neutral and non-polar, at codon 2863 of the FAT2 protein (p.Leu2863Pro). This variant is present in population databases (rs753051338, gnomAD 0.0009%). This variant has not been reported in the literature in individuals affected with FAT2-related conditions. An algorithm developed to predict the effect of missense changes on protein structure and function (PolyPhen-2) suggests that this variant is likely to be disruptive. In summary, the available evidence is currently insufficient to determine the role of this variant in disease. Therefore, it has been classified as a Variant of Uncertain Significance.